The following is an entry in ClinVar:

ClinVar aggregate classification (germline): Uncertain significance. Review status: criteria provided, multiple submitters, no conflicts (2 of 4 stars). 3 submissions from 3 submitters: Uncertain significance (3). Last evaluated 2024-06-12.

Conditions:
Bardet-Biedl syndrome 5 (BBS5). Identifiers: Orphanet 110, MedGen C3892039, MONDO:0014434, OMIM 615983.
BBS5-related disorder. Also called: BBS5-related condition.
Bardet-Biedl syndrome (BBS). Identifiers: Orphanet 110, MedGen C0752166, MONDO:0015229.

Allele frequency attached by ClinVar (database versions not stated): ExAC 0.00001; gnomAD 0.00001; gnomAD exomes 0.00001; TOPMed 0.00002.

Submissions (3):

Fulgent Genetics
Classification: Uncertain significance for Bardet-Biedl syndrome 5. Last evaluated: 2024-06-12. Review status: criteria provided, single submitter. Criteria: ACMG Guidelines, 2015. Collection method: clinical testing. Allele origin: germline.

PreventionGenetics, part of Exact Sciences
Classification: Uncertain significance for BBS5-related condition. Last evaluated: 2023-07-11. Review status: criteria provided, single submitter. Criteria: ACMG Guidelines, 2015. Collection method: clinical testing. Allele origin: germline.
Comment: The BBS5 c.925-4A>G variant is predicted to interfere with splicing. To our knowledge, this variant has not been reported in the literature. This variant is reported in 0.0015% of alleles in individuals of European (Non-Finnish) descent in gnomAD. At this time, the clinical significance of this variant is uncertain due to the absence of conclusive functional and genetic evidence.

Labcorp Genetics (formerly Invitae), Labcorp
Classification: Uncertain significance for Bardet-Biedl syndrome. Last evaluated: 2022-07-12. Review status: criteria provided, single submitter. Criteria: Invitae Variant Classification Sherloc (09022015). Collection method: clinical testing. Allele origin: germline.
Comment: This sequence change falls in intron 11 of the BBS5 gene. It does not directly change the encoded amino acid sequence of the BBS5 protein. This variant is present in population databases (rs765104819, gnomAD 0.002%). This variant has not been reported in the literature in individuals affected with BBS5-related conditions. Algorithms developed to predict the effect of sequence changes on RNA splicing suggest that this variant may create or strengthen a splice site. In summary, the available evidence is currently insufficient to determine the role of this variant in disease. Therefore, it has been classified as a Variant of Uncertain Significance.

NM_152384.3(BBS5):c.925-4A>G

Gene: BBS5 (Bardet-Biedl syndrome 5; plus strand). Cytogenetic location: 2q31.1.
Variant type: single nucleotide variant.
Coding change: c.925-4A>G on transcript NM_152384.3 (MANE Select); 4 bases into the intron before coding-DNA position 925, A replaced by G.
Molecular consequence: intron variant.
Genome position (GRCh38, 1-based): chr2:169,504,477, A>G. VCF-style: chr2-169504477-A-G. GRCh37 (hg19) VCF-style: chr2-170360987-A-G.
Other names: c.925-4A>G (NM_152384.2).
Identifiers: ClinVar variation 2169472 (VCV002169472.3), dbSNP rs765104819, ClinGen allele CA1956395.
Genomic context (GRCh38, chr2:169,504,477, plus strand): 5'-TGTTTTTTTCCTCTTCCTTGCCCACCTTCTCTATTCCCATCTTATCCTCCTGTCTCCCAA[A>G]AAGCAACAAGATCGTGAACCTGTATTTTCAGAAGAACTGGGGCTTGCAATAGAGAAATTG-3'